The following is an entry in ClinVar:

ClinVar aggregate classification (germline): Benign. Review status: criteria provided, multiple submitters, no conflicts (2 of 4 stars). 3 submissions from 3 submitters: Benign (2). 1 of the submissions does not count toward it. Last evaluated 2026-02-02.

Conditions:
IL12RB2-related disorder. Also called: IL12RB2-related condition.

Allele frequency attached by ClinVar (database versions not stated): gnomAD exomes 0.00093 and 0.00258; ExAC 0.00301; 1000 Genomes Project 0.00958; gnomAD 0.00974 and 0.01055; ESP Exome Variant Server 0.01030; 1000 Genomes Project 30x 0.01062; TOPMed 0.01132.
gnomAD v4.1: 2,896 of 1,605,942 alleles (0.18%); highest among the groups gnomAD compares: African/African-American, 3.4%; 40 homozygotes.

Submissions (3):

Labcorp Genetics (formerly Invitae), Labcorp
Classification: Benign. Last evaluated: 2026-02-02. Review status: criteria provided, single submitter. Criteria: Invitae Variant Classification Sherloc (09022015). Collection method: clinical testing. Allele origin: germline.

Breakthrough Genomics
Classification: Benign. Review status: criteria provided, single submitter. Criteria: ACMG Guidelines, 2015. Collection method: not provided. Allele origin: germline. Inheritance: Unknown mechanism. Affected: yes.

PreventionGenetics, part of Exact Sciences
Classification: Benign for IL12RB2-related condition. Last evaluated: 2024-02-10. Review status: no assertion criteria provided. Collection method: clinical testing. Allele origin: germline. Not counted in ClinVar's aggregate classification.
Comment: This variant is classified as benign based on ACMG/AMP sequence variant interpretation guidelines (Richards et al. 2015 PMID: 25741868, with internal and published modifications).

NM_001374259.2(IL12RB2):c.114C>G (p.Ser38=)

Gene: IL12RB2 (interleukin 12 receptor subunit beta 2; plus strand). Cytogenetic location: 1p31.3.
Variant type: single nucleotide variant.
Coding change: c.114C>G on transcript NM_001374259.2 (MANE Select); coding-DNA position 114, C replaced by G.
Protein change: p.Ser38=; no amino-acid change (serine 38 retained).
Molecular consequence: synonymous variant. On other transcripts: non-coding transcript variant (2).
Genome position (GRCh38, 1-based): chr1:67,321,639, C>G. VCF-style: chr1-67321639-C-G. GRCh37 (hg19) VCF-style: chr1-67787322-C-G.
Other names: c.114C>G, p.Ser38= (NM_001258214.1, NM_001258215.1, NM_001258216.1 and 2 more transcripts).
Identifiers: ClinVar variation 786851 (VCV000786851.14), dbSNP rs17129777, ClinGen allele CA900118.
Genomic context (GRCh38, chr1:67,321,639, plus strand): 5'-ATTGCATCTGTATCTTATTGCAGATGCGTGCAAGAGAGGCGATGTGACTGTGAAGCCTTC[C>G]CATGTAATTTTACTTGGATCCACTGTCAATATTACATGCTCTTTGAAGCCCAGACAAGGC-3'
Protein context (NP_001361188.1, residues 28-48): CKRGDVTVKP[Ser38=]HVILLGSTVN